The following is an entry in ClinVar:

ClinVar aggregate classification (germline): Conflicting classifications of pathogenicity. Review status: criteria provided, conflicting classifications (1 of 4 stars). 5 submissions from 5 submitters: Uncertain significance (1); Benign (1); Likely benign (2). 1 of the submissions does not count toward it. Last evaluated 2026-02-04.

Conditions:
ABCA12-related disorder. Also called: ABCA12-related condition.
Congenital ichthyosis of skin. Identifiers: MedGen C0020758.

Allele frequency attached by ClinVar (database versions not stated): TOPMed 0.00108; gnomAD 0.00145 and 0.00154; gnomAD exomes 0.00154 and 0.00159; ExAC 0.00163; ESP Exome Variant Server 0.00192.
gnomAD v4.1: 2,515 of 1,613,848 alleles (0.16%); highest among the groups gnomAD compares: Non-Finnish European, 0.18%; 7 homozygotes.

Submissions (5):

Labcorp Genetics (formerly Invitae), Labcorp
Classification: Benign. Last evaluated: 2026-02-04. Review status: criteria provided, single submitter. Criteria: Invitae Variant Classification Sherloc (09022015). Collection method: clinical testing. Allele origin: germline.

CeGaT Center for Human Genetics Tuebingen
Classification: Likely benign. Last evaluated: 2025-07-01. Review status: criteria provided, single submitter. Criteria: CeGaT Center For Human Genetics Tuebingen Variant Classification Criteria Version 2. Collection method: clinical testing. Allele origin: germline. Affected: yes. Observed: 6 variant alleles.
Comment: ABCA12: BP4, BP7

Blueprint Genetics
Classification: Likely benign. Last evaluated: 2024-11-25. Review status: criteria provided, single submitter. Criteria: ACMG Guidelines, 2015. Collection method: clinical testing. Allele origin: germline.

Illumina Laboratory Services, Illumina
Classification: Uncertain significance for Congenital ichthyosis of skin. Last evaluated: 2018-01-13. Review status: criteria provided, single submitter. Criteria: ICSL Variant Classification Criteria 13 December 2019. Collection method: clinical testing. Allele origin: germline.

PreventionGenetics, part of Exact Sciences
Classification: Likely benign for ABCA12-related condition. Last evaluated: 2020-07-20. Review status: no assertion criteria provided. Collection method: clinical testing. Allele origin: germline. Not counted in ClinVar's aggregate classification.
Comment: This variant is classified as likely benign based on ACMG/AMP sequence variant interpretation guidelines (Richards et al. 2015 PMID: 25741868, with internal and published modifications).

NM_173076.3(ABCA12):c.2868T>G (p.Val956=)

Gene: ABCA12 (ATP binding cassette subfamily A member 12; minus strand). Cytogenetic location: 2q35.
Variant type: single nucleotide variant.
Coding change: c.2868T>G on transcript NM_173076.3 (MANE Select); coding-DNA position 2868, T replaced by G.
Protein change: p.Val956=; no amino-acid change (valine 956 retained).
Molecular consequence: synonymous variant. On other transcripts: non-coding transcript variant (1).
Genome position (GRCh38, 1-based): chr2:215,001,016, A>C on the plus strand (T>G on the coding strand, the complement: ABCA12 is on the minus strand). VCF-style: chr2-215001016-A-C. GRCh37 (hg19) VCF-style: chr2-215865740-A-C.
Other names: c.1914T>G, p.Val638= (NM_015657.4).
Identifiers: ClinVar variation 334254 (VCV000334254.40), dbSNP rs141615275, ClinGen allele CA2091842.
Genomic context (GRCh38, chr2:215,001,016, plus strand): 5'-AAAGACATTTCCAGAGTCATAGCCTCTGTGCCAGCTTCTGTTAGAAGGAAGCTTAAAAAT[A>C]ACACCTAAAAATAAAATGGCAACAACAGCAGAAAGGTTATTTTATGGTTGACGTTATTCA-3'
Protein context (NP_775099.2, residues 946-966): LYKSNELFGS[Val956=]IFKLPSNRSW